The following is an entry in ClinVar:

NM_206933.4(USH2A):c.2231G>A (p.Cys744Tyr)

Gene: USH2A (usherin; minus strand). Cytogenetic location: 1q41.
Variant type: single nucleotide variant.
Coding change: c.2231G>A on transcript NM_206933.4 (MANE Select); coding-DNA position 2231, G replaced by A.
Protein change: p.Cys744Tyr; replaces cysteine 744 with tyrosine.
Molecular consequence: missense variant.
Genome position (GRCh38, 1-based): chr1:216,247,163, C>T on the plus strand (G>A on the coding strand, the complement: USH2A is on the minus strand). VCF-style: chr1-216247163-C-T. GRCh37 (hg19) VCF-style: chr1-216420505-C-T.
Other names: c.2231G>A, p.Cys744Tyr (NM_007123.6); short protein forms C744Y.
Identifiers: ClinVar variation 546288 (VCV000546288.13), dbSNP rs751035557, ClinGen allele CA1396259.

ClinVar aggregate classification (germline): Conflicting classifications of pathogenicity. Review status: criteria provided, conflicting classifications (1 of 4 stars). 4 submissions from 4 submitters: Pathogenic (1); Likely pathogenic (2); Uncertain significance (1). Last evaluated 2024-02-24.

Conditions:
USH2A-related disorder. Also called: USH2A-related condition; USH2A-related disorders. Identifiers: MedGen CN239332.
Cone-rod dystrophy. Also called: Cone-rod degeneration; Cone/cone-rod dystrophy. Identifiers: Orphanet 1872, MedGen C4085590, MONDO:0015993, HP:0000548.

Allele frequency attached by ClinVar (database versions not stated): gnomAD exomes below 0.00001; ExAC 0.00001.
gnomAD v4.1: 2 of 1,614,086 alleles (0.00012%); highest among the groups gnomAD compares: Non-Finnish European, 0.000085%; no homozygotes.

Submissions (4):

Labcorp Genetics (formerly Invitae), Labcorp
Classification: Uncertain significance. Last evaluated: 2024-02-24. Review status: criteria provided, single submitter. Criteria: Invitae Variant Classification Sherloc (09022015). Collection method: clinical testing. Allele origin: germline.
Comment: This sequence change replaces cysteine, which is neutral and slightly polar, with tyrosine, which is neutral and polar, at codon 744 of the USH2A protein (p.Cys744Tyr). This variant is present in population databases (rs751035557, gnomAD 0.01%). This missense change has been observed in individual(s) with cone rod dystrophy (PMID: 32531858). ClinVar contains an entry for this variant (Variation ID: 546288). Advanced modeling of protein sequence and biophysical properties (such as structural, functional, and spatial information, amino acid conservation, physicochemical variation, residue mobility, and thermodynamic stability) performed at Invitae indicates that this missense variant is expected to disrupt USH2A protein function with a positive predictive value of 95%. In summary, the available evidence is currently insufficient to determine the role of this variant in disease. Therefore, it has been classified as a Variant of Uncertain Significance.

Molecular Genetics Laboratory, Institute for Ophthalmic Research
Classification: Pathogenic for Cone-rod dystrophy. Last evaluated: 2020-01-09. Review status: criteria provided, single submitter. Criteria: ACMG Guidelines, 2015. Collection method: research. Allele origin: germline. Affected: yes.

Blueprint Genetics
Classification: Likely pathogenic for USH2A-related disorders. Last evaluated: 2019-07-30. Review status: criteria provided, single submitter. Criteria: ACMG Guidelines, 2015. Collection method: clinical testing. Allele origin: germline. Affected: yes. Observed: 2 variant alleles.

GeneDx
Classification: Likely pathogenic. Last evaluated: 2018-12-17. Review status: criteria provided, single submitter. Criteria: GeneDx Variant Classification (06012015). Collection method: clinical testing. Allele origin: germline. Affected: yes.
Comment: The C744Y variant in the USH2A gene has not been reported previously as a pathogenic variant nor as a benign variant, to our knowledge. The C744Y variant is observed in 1/9,826 (0.0102%) alleles from individuals of Ashkenazi Jewish background and 1/245,546 global alleles in large population cohorts (Lek et al., 2016). The C744Y variant is a non-conservative amino acid substitution, which is likely to impact secondary protein structure as these residues differ in polarity, charge, size and/or other properties. In-silico analyses, including protein predictors and evolutionary conservation, support a deleterious effect. We interpret C744Y as a likely pathogenic variant.

Literature cited by the submitters: PubMed 32531858 (cited by Labcorp Genetics (formerly Invitae), Labcorp).